The following is an entry in ClinVar:

NM_176787.5(PIGN):c.1675-1G>T

Gene: PIGN (phosphatidylinositol glycan anchor biosynthesis class N; minus strand). Cytogenetic location: 18q21.33.
Variant type: single nucleotide variant.
Coding change: c.1675-1G>T on transcript NM_176787.5 (MANE Select); the canonical splice acceptor site of the intron before coding-DNA position 1675, G replaced by T.
Molecular consequence: splice acceptor variant.
Genome position (GRCh38, 1-based): chr18:62,106,882, C>A on the plus strand (G>T on the coding strand, the complement: PIGN is on the minus strand). VCF-style: chr18-62106882-C-A. GRCh37 (hg19) VCF-style: chr18-59774115-C-A.
Other names: c.1675-1G>T (NM_012327.6).
Identifiers: ClinVar variation 1517769 (VCV001517769.12), dbSNP rs772411133, ClinGen allele CA8982207.
Genomic context (GRCh38, chr18:62,106,882, plus strand): 5'-CCAAGCTGCAAAGGCAGTAAGTCCAGCGGTAAGCATATAGCGGTAGAAAAAACTGAGAAC[C>A]TAGTAATGCATTCCAAAGAAGGAATGAAAAATAAGGTCATTTAATACTAGTTACAAATAT-3'

ClinVar aggregate classification (germline): Pathogenic/Likely pathogenic. Review status: criteria provided, multiple submitters, no conflicts (2 of 4 stars). 4 submissions from 4 submitters: Pathogenic (1); Likely pathogenic (3). Last evaluated 2026-03-26.

Conditions:
Inborn genetic diseases. Identifiers: MedGen C0950123, MeSH D030342.
Multiple congenital anomalies-hypotonia-seizures syndrome 1 (MCAHS1). Also called: GLYCOSYLPHOSPHATIDYLINOSITOL BIOSYNTHESIS DEFECT 3; PIGN-CDG; Congenital disorder of glycosylation due to PIGN deficiency. Identifiers: Orphanet 280633, MedGen C3279775, MONDO:0013563, OMIM 614080.

Allele frequency attached by ClinVar (database versions not stated): TOPMed 0.00002; gnomAD exomes below 0.00001; ExAC 0.00001.
gnomAD v4.1: 2 of 1,603,514 alleles (0.00012%); highest among the groups gnomAD compares: Admixed American, 0.0017%; no homozygotes.

Submissions (4):

GeneDx
Classification: Likely pathogenic. Last evaluated: 2026-03-26. Review status: criteria provided, single submitter. Criteria: GeneDx Variant Classification Process June 2021. Collection method: clinical testing. Allele origin: germline.
Comment: Canonical splice site variant predicted to result in an in-frame loss of the adjacent exon in a gene for which loss of function is a known mechanism of disease; Not observed at significant frequency in large population cohorts (gnomAD); Has not been previously published as pathogenic or benign to our knowledge

Labcorp Genetics (formerly Invitae), Labcorp
Classification: Likely pathogenic for Multiple congenital anomalies-hypotonia-seizures syndrome 1. Last evaluated: 2024-06-03. Review status: criteria provided, single submitter. Criteria: Invitae Variant Classification Sherloc (09022015). Collection method: clinical testing. Allele origin: germline.
Comment: This sequence change affects an acceptor splice site in intron 18 of the PIGN gene. It is expected to disrupt RNA splicing. Variants that disrupt the donor or acceptor splice site typically lead to a loss of protein function (PMID: 16199547), and loss-of-function variants in PIGN are known to be pathogenic (PMID: 24253414, 27038415). The frequency data for this variant in the population databases is considered unreliable, as metrics indicate poor data quality at this position in the gnomAD database. This variant has not been reported in the literature in individuals affected with PIGN-related conditions. ClinVar contains an entry for this variant (Variation ID: 1517769). Algorithms developed to predict the effect of sequence changes on RNA splicing suggest that this variant may disrupt the consensus splice site. In summary, the currently available evidence indicates that the variant is pathogenic, but additional data are needed to prove that conclusively. Therefore, this variant has been classified as Likely Pathogenic.

Fulgent Genetics
Classification: Likely pathogenic for Multiple congenital anomalies-hypotonia-seizures syndrome 1. Last evaluated: 2024-03-27. Review status: criteria provided, single submitter. Criteria: ACMG Guidelines, 2015. Collection method: clinical testing. Allele origin: germline.

Ambry Genetics
Classification: Pathogenic for Inborn genetic diseases. Last evaluated: 2017-09-27. Review status: criteria provided, single submitter. Criteria: Ambry Variant Classification Scheme 2023. Collection method: clinical testing. Allele origin: germline.
Comment: The c.1675-1G>T intronic pathogenic mutation results from a G to T substitution one nucleotide upstream from coding exon 16 of the PIGN gene. Alterations that disrupt the canonical splice site are expected to cause aberrant splicing, resulting in an abnormal protein or a transcript that is subject to nonsense-mediated mRNA decay. As such, this alteration is classified as a disease-causing mutation.

Literature cited by the submitters: PubMed 16199547 (cited by Labcorp Genetics (formerly Invitae), Labcorp); PubMed 24253414 (cited by Labcorp Genetics (formerly Invitae), Labcorp); PubMed 27038415 (cited by Labcorp Genetics (formerly Invitae), Labcorp).